The following is an entry in ClinVar:

ClinVar aggregate classification (germline): Benign. Review status: criteria provided, multiple submitters, no conflicts (2 of 4 stars). 6 submissions from 6 submitters: Benign (6). Last evaluated 2026-02-02.

Conditions:
Microcephalic osteodysplastic primordial dwarfism type II (MOPD2). Also called: Microcephalic osteodysplastic primordial dwarfism with tooth abnormalities; MOPD II; OSTEODYSPLASTIC PRIMORDIAL DWARFISM, TYPE II. Identifiers: Orphanet 2637, MedGen C0432246, MONDO:0008872, OMIM 210720.

Allele frequency attached by ClinVar (database versions not stated): ESP Exome Variant Server 0.00008; gnomAD 0.00051 and 0.00292; TOPMed 0.00096; gnomAD exomes 0.00408 and 0.00843; ExAC 0.00946; 1000 Genomes Project 30x 0.01562; 1000 Genomes Project 0.01697.
gnomAD v4.1: 6,535 of 1,613,830 alleles (0.4%); highest among the groups gnomAD compares: South Asian, 6.5%; 240 homozygotes.

Submissions (6):

Labcorp Genetics (formerly Invitae), Labcorp
Classification: Benign. Last evaluated: 2026-02-02. Review status: criteria provided, single submitter. Criteria: Invitae Variant Classification Sherloc (09022015). Collection method: clinical testing. Allele origin: germline.

ARUP Laboratories, Molecular Genetics and Genomics, ARUP Laboratories
Classification: Benign for Microcephalic osteodysplastic primordial dwarfism type II. Last evaluated: 2023-11-11. Review status: criteria provided, single submitter. Criteria: ARUP Molecular Germline Variant Investigation Process 2024. Collection method: clinical testing. Allele origin: germline.

Fulgent Genetics
Classification: Benign for Microcephalic osteodysplastic primordial dwarfism type II. Last evaluated: 2021-10-08. Review status: criteria provided, single submitter. Criteria: ACMG Guidelines, 2015. Collection method: clinical testing. Allele origin: unknown.

Illumina Laboratory Services, Illumina
Classification: Benign for Microcephalic osteodysplastic primordial dwarfism type II. Last evaluated: 2018-01-12. Review status: criteria provided, single submitter. Criteria: ICSL Variant Classification Criteria 13 December 2019. Collection method: clinical testing. Allele origin: germline.
Comment: This variant was observed in the ICSL laboratory as part of a predisposition screen in an ostensibly healthy population. It had not been previously curated by ICSL or reported in the Human Gene Mutation Database (HGMD: prior to June 1st, 2018), and was therefore a candidate for classification through an automated scoring system. Utilizing variant allele frequency, disease prevalence and penetrance estimates, and inheritance mode, an automated score was calculated to assess if this variant is too frequent to cause the disease. Based on the score and internal cut-off values, a variant classified as benign is not then subjected to further curation. The score for this variant resulted in a classification of benign for this disease.

GeneDx
Classification: Benign. Last evaluated: 2017-12-14. Review status: criteria provided, single submitter. Criteria: GeneDx Variant Classification (06012015). Collection method: clinical testing. Allele origin: germline. Affected: yes.
Comment: This variant is considered likely benign or benign based on one or more of the following criteria: it is a conservative change, it occurs at a poorly conserved position in the protein, it is predicted to be benign by multiple in silico algorithms, and/or has population frequency not consistent with disease.

Genetic Services Laboratory, University of Chicago
Classification: Benign. Last evaluated: 2015-05-13. Review status: criteria provided, single submitter. Criteria: ACMG Guidelines, 2015. Collection method: clinical testing. Allele origin: germline.

NM_006031.6(PCNT):c.6579G>A (p.Pro2193=)

Gene: PCNT (pericentrin; plus strand). Cytogenetic location: 21q22.3.
Variant type: single nucleotide variant.
Coding change: c.6579G>A on transcript NM_006031.6 (MANE Select); coding-DNA position 6579, G replaced by A.
Protein change: p.Pro2193=; no amino-acid change (proline 2193 retained).
Molecular consequence: synonymous variant.
Genome position (GRCh38, 1-based): chr21:46,416,497, G>A. VCF-style: chr21-46416497-G-A. GRCh37 (hg19) VCF-style: chr21-47836411-G-A.
Other names: c.6225G>A, p.Pro2075= (NM_001315529.2).
Identifiers: ClinVar variation 159636 (VCV000159636.19), dbSNP rs150756913, ClinGen allele CA173053.
Genomic context (GRCh38, chr21:46,416,497, plus strand): 5'-AATGCCAGATTCTCCCATTCAAGAAAAATCAGAATGTCAGGACATGTCTCTTTCTTCACC[G>A]ACCAGCGTACTTGGTGGCTCCCGCCACCAGAGCCACACTGCAGAGGCTGGGCCCCGGAAG-3'
Protein context (NP_006022.3, residues 2183-2203): SECQDMSLSS[Pro2193=]TSVLGGSRHQ